The following is an entry in ClinVar:

NM_000123.4(ERCC5):c.380+3A>T

Genes: BIVM-ERCC5 (BIVM-ERCC5 readthrough; plus strand), ERCC5 (ERCC excision repair 5, endonuclease; plus strand). Cytogenetic location: 13q33.1.
Variant type: single nucleotide variant.
Coding change: c.380+3A>T on transcript NM_000123.4 (MANE Select); 3 bases into the intron after coding-DNA position 380, A replaced by T.
Molecular consequence: intron variant.
Genome position (GRCh38, 1-based): chr13:102,853,875, A>T. VCF-style: chr13-102853875-A-T. GRCh37 (hg19) VCF-style: chr13-103506225-A-T.
Other names: c.1742+3A>T (NM_001204425.2).
Identifiers: ClinVar variation 1705488 (VCV001705488.1), dbSNP rs2501534840, ClinGen allele CA2580087048.

ClinVar aggregate classification (germline): Uncertain significance (1 of 4 stars; one submission).

Conditions:
Xeroderma pigmentosum, group G (XPG). Also called: ERCC5-Related Xeroderma Pigmentosum; XERODERMA PIGMENTOSUM VII; XP, GROUP G; Xeroderma pigmentosum type 7. Identifiers: MedGen C0268141, MONDO:0010216, OMIM 278780.

Submission:

3billion
Classification: Uncertain significance for Xeroderma pigmentosum, group G. Last evaluated: 2022-09-01. Review status: criteria provided, single submitter. Criteria: ACMG Guidelines, 2015. Collection method: clinical testing. Allele origin: germline. Affected: yes. Observed: 1 homozygote.
Comment: The variant is not observed in the gnomAD v2.1.1 dataset. In silico tools predict the variant to alter splicing and produce an abnormal transcript (SpliceAI: 0.88). Therefore, this variant is classified as uncertain significance according to the recommendation of ACMG/AMP guideline.